The following is an entry in ClinVar:

ClinVar aggregate classification (germline): Uncertain significance (1 of 4 stars; one submission).

Submission:

Labcorp Genetics (formerly Invitae), Labcorp
Classification: Uncertain significance. Last evaluated: 2025-05-05. Review status: criteria provided, single submitter. Criteria: Invitae Variant Classification Sherloc (09022015). Collection method: clinical testing. Allele origin: germline.
Comment: This sequence change replaces asparagine, which is neutral and polar, with threonine, which is neutral and polar, at codon 42 of the CEP19 protein (p.Asn42Thr). This variant is not present in population databases (gnomAD no frequency). This variant has not been reported in the literature in individuals affected with CEP19-related conditions. ClinVar contains an entry for this variant (Variation ID: 1486504). An algorithm developed to predict the effect of missense changes on protein structure and function (PolyPhen-2) suggests that this variant is likely to be disruptive. In summary, the available evidence is currently insufficient to determine the role of this variant in disease. Therefore, it has been classified as a Variant of Uncertain Significance.

NM_032898.5(CEP19):c.113A>C (p.Asn38Thr)

Gene: CEP19 (centrosomal protein 19; minus strand). Cytogenetic location: 3q29.
Variant type: single nucleotide variant.
Coding change: c.113A>C on transcript NM_032898.5 (MANE Select); coding-DNA position 113, A replaced by C.
Protein change: p.Asn38Thr; replaces asparagine 38 with threonine.
Molecular consequence: missense variant. On other transcripts: intron variant (1).
Genome position (GRCh38, 1-based): chr3:196,708,545, T>G on the plus strand (A>C on the coding strand, the complement: CEP19 is on the minus strand). VCF-style: chr3-196708545-T-G. GRCh37 (hg19) VCF-style: chr3-196435416-T-G.
Other names: c.113A>C, p.Asn38Thr (NM_001379469.1, NM_001379470.1); c.26-633A>C (NM_001379468.1); short protein forms N38T.
Identifiers: ClinVar variation 1486504 (VCV001486504.8), dbSNP rs2108663466, ClinGen allele CA355634742.